The following is an entry in ClinVar:

NM_001394062.1(MACF1):c.854T>G (p.Val285Gly)

Gene: MACF1 (microtubule actin crosslinking factor 1; plus strand). Cytogenetic location: 1p34.3.
Variant type: single nucleotide variant.
Coding change: c.854T>G on transcript NM_001394062.1 (MANE Select); coding-DNA position 854, T replaced by G.
Protein change: p.Val285Gly; replaces valine 285 with glycine.
Molecular consequence: missense variant.
Genome position (GRCh38, 1-based): chr1:39,283,454, T>G. VCF-style: chr1-39283454-T-G. GRCh37 (hg19) VCF-style: chr1-39749126-T-G.
Other names: c.869T>G, p.Val290Gly (NM_012090.5); short protein forms V285G, V290G.
Identifiers: ClinVar variation 2503281 (VCV002503281.2), dbSNP rs2521350450, ClinGen allele CA339751531.

ClinVar aggregate classification (germline): Uncertain significance (1 of 4 stars; one submission).

Submission:

GeneDx
Classification: Uncertain significance. Last evaluated: 2026-09-10. Review status: criteria provided, single submitter. Criteria: GeneDx Variant Classification Process June 2021. Collection method: clinical testing. Allele origin: germline.
Comment: Not observed at significant frequency in large population cohorts (gnomAD); In silico analysis supports that this missense variant has a deleterious effect on protein structure/function; Has not been previously published as pathogenic or benign to our knowledge